The following is an entry in ClinVar:

NM_005198.5(CHKB):c.873G>T (p.Glu291Asp)

Genes: CHKB-CPT1B (CHKB-CPT1B readthrough (NMD candidate); minus strand), CHKB (choline kinase beta; minus strand). Cytogenetic location: 22q13.33.
Variant type: single nucleotide variant.
Coding change: c.873G>T on transcript NM_005198.5 (MANE Select); coding-DNA position 873, G replaced by T.
Protein change: p.Glu291Asp; replaces glutamic acid 291 with aspartic acid.
Molecular consequence: missense variant. On other transcripts: non-coding transcript variant (1).
Genome position (GRCh38, 1-based): chr22:50,580,028, C>A on the plus strand (G>T on the coding strand, the complement: CHKB is on the minus strand). VCF-style: chr22-50580028-C-A. GRCh37 (hg19) VCF-style: chr22-51018457-C-A.
Other names: short protein forms E291D.
Identifiers: ClinVar variation 2198417 (VCV002198417.2), dbSNP rs766225706, ClinGen allele CA10323602.

ClinVar aggregate classification (germline): Uncertain significance. Review status: criteria provided, multiple submitters, no conflicts (2 of 4 stars). 2 submissions from 2 submitters: Uncertain significance (2). Last evaluated 2025-07-04.

Conditions:
Inborn genetic diseases. Identifiers: MedGen C0950123, MeSH D030342.
Megaconial type congenital muscular dystrophy (MDCMC). Also called: MUSCULAR DYSTROPHY, CONGENITAL, WITH MITOCHONDRIAL STRUCTURAL ABNORMALITIES; CHKB-Related Muscle Diseases; CHKB-Related Muscular Dystrophy. Identifiers: Orphanet 280671, MedGen C1865233, MONDO:0011246, OMIM 602541.

Allele frequency attached by ClinVar (database versions not stated): ExAC 0.00001; gnomAD 0.00001; TOPMed 0.00001.
gnomAD v4.1: 78 of 1,613,908 alleles (0.0048%); highest among the groups gnomAD compares: Non-Finnish European, 0.0064%; no homozygotes.

Submissions (2):

Ambry Genetics
Classification: Uncertain significance for Inborn genetic diseases. Last evaluated: 2025-07-04. Review status: criteria provided, single submitter. Criteria: Ambry Variant Classification Scheme 2023. Collection method: clinical testing. Allele origin: germline.

Labcorp Genetics (formerly Invitae), Labcorp
Classification: Uncertain significance for Megaconial type congenital muscular dystrophy. Last evaluated: 2022-02-23. Review status: criteria provided, single submitter. Criteria: Invitae Variant Classification Sherloc (09022015). Collection method: clinical testing. Allele origin: germline.
Comment: This sequence change replaces glutamic acid, which is acidic and polar, with aspartic acid, which is acidic and polar, at codon 291 of the CHKB protein (p.Glu291Asp). This variant is present in population databases (rs766225706, gnomAD 0.0009%). This variant has not been reported in the literature in individuals affected with CHKB-related conditions. Algorithms developed to predict the effect of missense changes on protein structure and function output the following: SIFT: "Tolerated"; PolyPhen-2: "Benign"; Align-GVGD: "Class C0". The aspartic acid amino acid residue is found in multiple mammalian species, which suggests that this missense change does not adversely affect protein function. In summary, the available evidence is currently insufficient to determine the role of this variant in disease. Therefore, it has been classified as a Variant of Uncertain Significance.